The following is an entry in ClinVar:

NM_000350.3(ABCA4):c.6148-471C>T

Gene: ABCA4 (ATP binding cassette subfamily A member 4; minus strand). Cytogenetic location: 1p22.1.
Variant type: single nucleotide variant.
Coding change: c.6148-471C>T on transcript NM_000350.3 (MANE Select); 471 bases into the intron before coding-DNA position 6148, C replaced by T.
Molecular consequence: intron variant.
Genome position (GRCh38, 1-based): chr1:94,002,463, G>A on the plus strand (C>T on the coding strand, the complement: ABCA4 is on the minus strand). VCF-style: chr1-94002463-G-A. GRCh37 (hg19) VCF-style: chr1-94468019-G-A.
Other names: c.5926-471C>T (NM_001425324.1).
Identifiers: ClinVar variation 3338946 (VCV003338946.1).

ClinVar aggregate classification (germline): Uncertain significance (1 of 4 stars; one submission).

gnomAD v4.1: 2 of 152,236 alleles (0.0013%); highest among the groups gnomAD compares: Non-Finnish European, 0.0029%; no homozygotes.

Submission:

Women's Health and Genetics/Laboratory Corporation of America, LabCorp
Classification: Uncertain significance. Last evaluated: 2024-07-11. Review status: criteria provided, single submitter. Criteria: LabCorp Variant Classification Summary - May 2015. Collection method: clinical testing. Allele origin: germline.
Comment: Variant summary: ABCA4 c.6148-471C>T is located at a position not widely known to affect splicing. Several computational tools predict a significant impact on normal splicing: Three predict the variant strengthens a cryptic 3' acceptor site. However, in in vitro splice assays, the variant was reported to have no defect in splicing (Fadaie_2019). The variant was absent in 31408 control chromosomes (gnomAD). The available data on variant occurrences in the general population are insufficient to allow any conclusion about variant significance. c.6148-471C>T has been reported in the literature in at least an individual affected with ABCA4-related disorders (example: Zernant _2014, Fadaie_2019). These report(s) do not provide unequivocal conclusions about association of the variant with Retinitis Pigmentosa. To our knowledge, no experimental evidence demonstrating an impact on protein function has been reported. The following publications have been ascertained in the context of this evaluation (PMID: 31397521, 25082829). No submitters have cited clinical-significance assessments for this variant to ClinVar. Based on the evidence outlined above, the variant was classified as uncertain significance.

Literature cited by the submitters: PubMed 31397521; PubMed 25082829.